The following is an entry in ClinVar:

ClinVar aggregate classification (germline): Uncertain significance (1 of 4 stars; one submission).

Allele frequency attached by ClinVar (database versions not stated): gnomAD 0.00001; TOPMed 0.00001.
gnomAD v4.1: 17 of 1,613,836 alleles (0.0011%); highest among the groups gnomAD compares: Admixed American, 0.0017%; no homozygotes.

Submission:

Ambry Genetics
Classification: Uncertain significance. Last evaluated: 2023-11-22. Review status: criteria provided, single submitter. Criteria: Ambry Variant Classification Scheme 2023. Collection method: clinical testing. Allele origin: germline.
Comment: The p.N290S variant (also known as c.869A>G), located in coding exon 2 of the EGLN2 gene, results from an A to G substitution at nucleotide position 869. The asparagine at codon 290 is replaced by serine, an amino acid with highly similar properties. This amino acid position is conserved. In addition, this alteration is predicted to be tolerated by in silico analysis. Since supporting evidence is limited at this time, the clinical significance of this alteration remains unclear.

NM_080732.4(EGLN2):c.869A>G (p.Asn290Ser)

Genes: EGLN2 (egl-9 family hypoxia inducible factor 2; plus strand), RAB4B-EGLN2 (RAB4B-EGLN2 readthrough (NMD candidate); plus strand). Cytogenetic location: 19q13.2.
Variant type: single nucleotide variant.
Coding change: c.869A>G on transcript NM_080732.4 (MANE Select); coding-DNA position 869, A replaced by G.
Protein change: p.Asn290Ser; replaces asparagine 290 with serine.
Molecular consequence: missense variant. On other transcripts: non-coding transcript variant (1).
Genome position (GRCh38, 1-based): chr19:40,806,580, A>G. VCF-style: chr19-40806580-A-G. GRCh37 (hg19) VCF-style: chr19-41312485-A-G.
Other names: c.869A>G, p.Asn290Ser (NM_053046.4); short protein forms N290S.
Identifiers: ClinVar variation 3229022 (VCV003229022.1), dbSNP rs776201066, ClinGen allele CA308490011.